The following is an entry in ClinVar:

NM_000171.4(GLRA1):c.15T>A (p.Asn5Lys)

Gene: GLRA1 (glycine receptor alpha 1; minus strand). Cytogenetic location: 5q33.1.
Variant type: single nucleotide variant.
Coding change: c.15T>A on transcript NM_000171.4 (MANE Select); coding-DNA position 15, T replaced by A.
Protein change: p.Asn5Lys; replaces asparagine 5 with lysine.
Molecular consequence: missense variant. On other transcripts: 5 prime UTR variant (1).
Genome position (GRCh38, 1-based): chr5:151,924,535, A>T on the plus strand (T>A on the coding strand, the complement: GLRA1 is on the minus strand). VCF-style: chr5-151924535-A-T. GRCh37 (hg19) VCF-style: chr5-151304096-A-T.
Other names: c.15T>A, p.Asn5Lys (NM_001146040.2); c.-107T>A (NM_001292000.2); short protein forms N5K.
Identifiers: ClinVar variation 953165 (VCV000953165.10), dbSNP rs373114110, ClinGen allele CA3523815.

ClinVar aggregate classification (germline): Uncertain significance. Review status: criteria provided, multiple submitters, no conflicts (2 of 4 stars). 2 submissions from 2 submitters: Uncertain significance (2). Last evaluated 2025-11-05.

Conditions:
Hereditary hyperekplexia. Identifiers: Orphanet 3197, MedGen C4084968, MONDO:0021022.
Inborn genetic diseases. Identifiers: MedGen C0950123, MeSH D030342.

Allele frequency attached by ClinVar (database versions not stated): gnomAD exomes below 0.00001 and 0.00001; ExAC 0.00001; gnomAD 0.00001 and 0.00002; TOPMed 0.00002; ESP Exome Variant Server 0.00008.
gnomAD v4.1: 24 of 1,604,450 alleles (0.0015%); highest among the groups gnomAD compares: Non-Finnish European, 0.002%; no homozygotes.

Submissions (2):

Labcorp Genetics (formerly Invitae), Labcorp
Classification: Uncertain significance for Hereditary hyperekplexia. Last evaluated: 2025-11-05. Review status: criteria provided, single submitter. Criteria: Invitae Variant Classification Sherloc (09022015). Collection method: clinical testing. Allele origin: germline.
Comment: This sequence change replaces asparagine, which is neutral and polar, with lysine, which is basic and polar, at codon 5 of the GLRA1 protein (p.Asn5Lys). This variant is present in population databases (rs373114110, gnomAD 0.002%). This variant has not been reported in the literature in individuals affected with GLRA1-related conditions. ClinVar contains an entry for this variant (Variation ID: 953165). Invitae Evidence Modeling of protein sequence and biophysical properties (such as structural, functional, and spatial information, amino acid conservation, physicochemical variation, residue mobility, and thermodynamic stability) indicates that this missense variant is not expected to disrupt GLRA1 protein function with a negative predictive value of 95%. In summary, the available evidence is currently insufficient to determine the role of this variant in disease. Therefore, it has been classified as a Variant of Uncertain Significance.

Ambry Genetics
Classification: Uncertain significance for Inborn genetic diseases. Last evaluated: 2025-10-06. Review status: criteria provided, single submitter. Criteria: Ambry Variant Classification Scheme 2023. Collection method: clinical testing. Allele origin: germline.